The following is an entry in ClinVar:

ClinVar aggregate classification (germline): Uncertain significance (1 of 4 stars; one submission).

Submission:

Labcorp Genetics (formerly Invitae), Labcorp
Classification: Uncertain significance. Last evaluated: 2025-03-10. Review status: criteria provided, single submitter. Criteria: Invitae Variant Classification Sherloc (09022015). Collection method: clinical testing. Allele origin: germline.
Comment: This sequence change replaces arginine, which is basic and polar, with histidine, which is basic and polar, at codon 1553 of the DCHS1 protein (p.Arg1553His). This variant is not present in population databases (gnomAD no frequency). This variant has not been reported in the literature in individuals affected with DCHS1-related conditions. Invitae Evidence Modeling of protein sequence and biophysical properties (such as structural, functional, and spatial information, amino acid conservation, physicochemical variation, residue mobility, and thermodynamic stability) indicates that this missense variant is not expected to disrupt DCHS1 protein function with a negative predictive value of 80%. In summary, the available evidence is currently insufficient to determine the role of this variant in disease. Therefore, it has been classified as a Variant of Uncertain Significance.

NM_003737.4(DCHS1):c.4658G>A (p.Arg1553His)

Gene: DCHS1 (dachsous cadherin-related 1; minus strand). Cytogenetic location: 11p15.4.
Variant type: single nucleotide variant.
Coding change: c.4658G>A on transcript NM_003737.4 (MANE Select); coding-DNA position 4658, G replaced by A.
Protein change: p.Arg1553His; replaces arginine 1553 with histidine.
Molecular consequence: missense variant.
Genome position (GRCh38, 1-based): chr11:6,630,136, C>T on the plus strand (G>A on the coding strand, the complement: DCHS1 is on the minus strand). VCF-style: chr11-6630136-C-T. GRCh37 (hg19) VCF-style: chr11-6651367-C-T.
Other names: short protein forms R1553H.
Identifiers: ClinVar variation 4746629 (VCV004746629.1).